The following is an entry in ClinVar:

ClinVar aggregate classification (germline): Uncertain significance (1 of 4 stars; one submission).

Conditions:
Periodontitis, aggressive. Identifiers: MedGen C0031106, MONDO:0980757.
Papillon-Lefèvre syndrome (PALS). Also called: KERATOSIS PALMOPLANTARIS WITH PERIODONTOPATHIA; Papillon-Lefevre Disease. Identifiers: Orphanet 678, MedGen C0030360, MONDO:0009490, OMIM 245000.
Haim-Munk syndrome (HMS). Also called: COCHIN JEWISH DISORDER; KERATOSIS PALMOPLANTARIS WITH PERIODONTOPATHIA AND ONYCHOGRYPOSIS. Identifiers: Orphanet 2342, MedGen C1855627, MONDO:0009491, OMIM 245010.

Allele frequency attached by ClinVar (database versions not stated): gnomAD 0.00001; TOPMed 0.00002.
gnomAD v4.1: 2 of 1,613,962 alleles (0.00012%); highest among the groups gnomAD compares: African/African-American, 0.0027%; no homozygotes.

Submission:

Labcorp Genetics (formerly Invitae), Labcorp
Classification: Uncertain significance for Haim-Munk syndrome; Periodontitis, aggressive; Papillon-Lefèvre syndrome. Last evaluated: 2021-12-26. Review status: criteria provided, single submitter. Criteria: Invitae Variant Classification Sherloc (09022015). Collection method: clinical testing. Allele origin: germline.
Comment: This sequence change replaces alanine, which is neutral and non-polar, with glycine, which is neutral and non-polar, at codon 145 of the CTSC protein (p.Ala145Gly). In summary, the available evidence is currently insufficient to determine the role of this variant in disease. Therefore, it has been classified as a Variant of Uncertain Significance. Algorithms developed to predict the effect of missense changes on protein structure and function are either unavailable or do not agree on the potential impact of this missense change (SIFT: "Not Available"; PolyPhen-2: "Benign"; Align-GVGD: "Not Available"). This variant has not been reported in the literature in individuals affected with CTSC-related conditions. This variant is not present in population databases (gnomAD no frequency).

NM_001814.6(CTSC):c.434C>G (p.Ala145Gly)

Gene: CTSC (cathepsin C; minus strand). Cytogenetic location: 11q14.2.
Variant type: single nucleotide variant.
Coding change: c.434C>G on transcript NM_001814.6 (MANE Select); coding-DNA position 434, C replaced by G.
Protein change: p.Ala145Gly; replaces alanine 145 with glycine.
Molecular consequence: missense variant.
Genome position (GRCh38, 1-based): chr11:88,312,439, G>C on the plus strand (C>G on the coding strand, the complement: CTSC is on the minus strand). VCF-style: chr11-88312439-G-C. GRCh37 (hg19) VCF-style: chr11-88045607-G-C.
Other names: short protein forms A145G.
Identifiers: ClinVar variation 2186460 (VCV002186460.4), dbSNP rs1277410318, ClinGen allele CA382026479.